The following is an entry in ClinVar:

ClinVar aggregate classification (germline): Uncertain significance (1 of 4 stars; one submission).

Conditions:
Charcot-Marie-Tooth disease dominant intermediate C (CMTDIC). Also called: CHARCOT-MARIE-TOOTH NEUROPATHY, DOMINANT INTERMEDIATE C. Identifiers: Orphanet 100045, MedGen C1842237, MONDO:0012012, OMIM 608323.

Submission:

Labcorp Genetics (formerly Invitae), Labcorp
Classification: Uncertain significance for Charcot-Marie-Tooth disease dominant intermediate C. Last evaluated: 2025-11-17. Review status: criteria provided, single submitter. Criteria: Invitae Variant Classification Sherloc (09022015). Collection method: clinical testing. Allele origin: germline.
Comment: This sequence change affects an acceptor splice site in intron 3 of the YARS gene. It is expected to disrupt RNA splicing. Variants that disrupt the donor or acceptor splice site typically lead to a loss of protein function (PMID: 16199547), however the current clinical and genetic evidence is not sufficient to establish whether loss-of-function variants in YARS cause disease. This variant is not present in population databases (gnomAD no frequency). This variant has not been reported in the literature in individuals affected with YARS-related conditions. Algorithms developed to predict the effect of sequence changes on RNA splicing suggest that this variant may disrupt the consensus splice site. In summary, the available evidence is currently insufficient to determine the role of this variant in disease. Therefore, it has been classified as a Variant of Uncertain Significance.

Literature cited by the submitters: PubMed 16199547.

NM_003680.4(YARS1):c.381-2A>T

Gene: YARS1 (tyrosyl-tRNA synthetase 1; minus strand). Cytogenetic location: 1p35.1.
Variant type: single nucleotide variant.
Coding change: c.381-2A>T on transcript NM_003680.4 (MANE Select); the canonical splice acceptor site of the intron before coding-DNA position 381, A replaced by T.
Molecular consequence: splice acceptor variant.
Genome position (GRCh38, 1-based): chr1:32,806,613, T>A on the plus strand (A>T on the coding strand, the complement: YARS1 is on the minus strand). VCF-style: chr1-32806613-T-A. GRCh37 (hg19) VCF-style: chr1-33272214-T-A.
Identifiers: ClinVar variation 4715678 (VCV004715678.1).
Genomic context (GRCh38, chr1:32,806,613, plus strand): 5'-TCTTGGAATCGTGCTGTGTGACCACGGAGGAGAGTCTGTACACATCTAGTGTGTACTCTC[T>A]GAAGAGGAAAGGAAGAGGGGACAGCTGTAAACCTGGGCCTAGGCCTCAGTTTCCTAGGAA-3'